The following is an entry in ClinVar:

NM_001142864.4(PIEZO1):c.6417G>A (p.Val2139=)

Gene: PIEZO1 (piezo type mechanosensitive ion channel component 1 (Er blood group); minus strand). Cytogenetic location: 16q24.3.
Variant type: single nucleotide variant.
Coding change: c.6417G>A on transcript NM_001142864.4 (MANE Select); coding-DNA position 6417, G replaced by A.
Protein change: p.Val2139=; no amino-acid change (valine 2139 retained).
Molecular consequence: synonymous variant.
Genome position (GRCh38, 1-based): chr16:88,719,628, C>T on the plus strand (G>A on the coding strand, the complement: PIEZO1 is on the minus strand). VCF-style: chr16-88719628-C-T. GRCh37 (hg19) VCF-style: chr16-88786036-C-T.
Other names: c.4959G>A, p.Val1653= (NM_014745.1).
Identifiers: ClinVar variation 3055054 (VCV003055054.2), dbSNP rs1335200391, ClinGen allele CA497363980.

ClinVar aggregate classification (germline): Likely benign (0 of 4 stars; one submission).

Conditions:
PIEZO1-related disorder. Also called: PIEZO1-related condition; PIEZO1-Related Disorders.

Allele frequency attached by ClinVar (database versions not stated): TOPMed 0.00002.
gnomAD v4.1: 10 of 1,552,902 alleles (0.00064%); highest among the groups gnomAD compares: Non-Finnish European, 0.00087%; no homozygotes.

Submission:

PreventionGenetics, part of Exact Sciences
Classification: Likely benign for PIEZO1-related condition. Last evaluated: 2022-04-27. Review status: no assertion criteria provided. Collection method: clinical testing. Allele origin: germline.
Comment: This variant is classified as likely benign based on ACMG/AMP sequence variant interpretation guidelines (Richards et al. 2015 PMID: 25741868, with internal and published modifications).